The following is an entry in ClinVar:

NM_001267550.2(TTN):c.94061C>T (p.Thr31354Ile)

Genes: TTN (titin; minus strand), TTN-AS1 (TTN antisense RNA 1; plus strand). Cytogenetic location: 2q31.2.
Variant type: single nucleotide variant.
Coding change: c.94061C>T on transcript NM_001267550.2 (MANE Select); coding-DNA position 94061, C replaced by T.
Protein change: p.Thr31354Ile; replaces threonine 31354 with isoleucine.
Molecular consequence: missense variant.
Genome position (GRCh38, 1-based): chr2:178,547,565, G>A on the plus strand (C>T on the coding strand, the complement: TTN is on the minus strand). VCF-style: chr2-178547565-G-A. GRCh37 (hg19) VCF-style: chr2-179412292-G-A.
Other names: c.89138C>T, p.Thr29713Ile (NM_001256850.1); c.66866C>T, p.Thr22289Ile (NM_003319.4); c.86357C>T, p.Thr28786Ile (NM_133378.4); c.67241C>T, p.Thr22414Ile (NM_133432.3); c.67442C>T, p.Thr22481Ile (NM_133437.4); short protein forms T29713I, T22289I, T31354I, T22414I, T22481I, T28786I.
Identifiers: ClinVar variation 1754876 (VCV001754876.3), dbSNP rs930361700, ClinGen allele CA60972921.

ClinVar aggregate classification (germline): Uncertain significance. Review status: criteria provided, multiple submitters, no conflicts (2 of 4 stars). 2 submissions from 2 submitters: Uncertain significance (2). Last evaluated 2026-01-23.

Conditions:
Cardiovascular phenotype. Identifiers: MedGen CN230736.

Allele frequency attached by ClinVar (database versions not stated): gnomAD exomes below 0.00001; gnomAD 0.00001.
gnomAD v4.1: 6 of 1,613,726 alleles (0.00037%); highest among the groups gnomAD compares: African/African-American, 0.0053%; no homozygotes.

Submissions (2):

GeneDx
Classification: Uncertain significance. Last evaluated: 2026-01-23. Review status: criteria provided, single submitter. Criteria: GeneDx Variant Classification Process June 2021. Collection method: clinical testing. Allele origin: germline.
Comment: Not observed at significant frequency in large population cohorts (gnomAD); Missense variant in a gene in which most reported pathogenic variants are truncating/loss of function; Has not been previously published as pathogenic or benign to our knowledge

Ambry Genetics
Classification: Uncertain significance for Cardiovascular phenotype. Last evaluated: 2019-12-26. Review status: criteria provided, single submitter. Criteria: Ambry Variant Classification Scheme 2023. Collection method: clinical testing. Allele origin: germline.
Comment: The p.T22289I variant (also known as c.66866C>T), located in coding exon 166 of the TTN gene, results from a C to T substitution at nucleotide position 66866. The threonine at codon 22289 is replaced by isoleucine, an amino acid with similar properties. This amino acid position is well conserved in available vertebrate species. In addition, this alteration is predicted to be tolerated by in silico analysis. Since supporting evidence is limited at this time, the clinical significance of this alteration remains unclear.